The following is an entry in ClinVar:

NM_000829.4(GRIA4):c.2636C>G (p.Pro879Arg)

Gene: GRIA4 (glutamate ionotropic receptor AMPA type subunit 4; plus strand). Cytogenetic location: 11q22.3.
Variant type: single nucleotide variant.
Coding change: c.2636C>G on transcript NM_000829.4 (MANE Select); coding-DNA position 2636, C replaced by G.
Protein change: p.Pro879Arg; replaces proline 879 with arginine.
Molecular consequence: missense variant. On other transcripts: 3 prime UTR variant (1), non-coding transcript variant (1).
Genome position (GRCh38, 1-based): chr11:105,979,666, C>G. VCF-style: chr11-105979666-C-G. GRCh37 (hg19) VCF-style: chr11-105850393-C-G.
Other names: c.2636C>G (NM_000829.3); c.*94C>G (NM_001077243.3); short protein forms P879R.
Identifiers: ClinVar variation 3778322 (VCV003778322.8).
Genomic context (GRCh38, chr11:105,979,666, plus strand): 5'-CCAGATTATCCATCACTGGGAGTGTGGGAGAGAATGGCCGCGTCTTGACGCCTGACTGCC[C>G]AAAGGCTGTACACACTGGAACTGCAATCAGACAAAGTTCAGGATTGGCTGTCATTGCATC-3'
Protein context (NP_000820.4, residues 869-889): ENGRVLTPDC[Pro879Arg]KAVHTGTAIR

ClinVar aggregate classification (germline): Conflicting classifications of pathogenicity. Review status: criteria provided, conflicting classifications (1 of 4 stars). 2 submissions from 2 submitters: Uncertain significance (1); Likely benign (1). Last evaluated 2025-07-01.

Conditions:
Inborn genetic diseases. Identifiers: MedGen C0950123, MeSH D030342.

gnomAD v4.1: 15 of 1,613,194 alleles (0.00093%); highest among the groups gnomAD compares: Non-Finnish European, 0.0013%; no homozygotes.

Submissions (2):

CeGaT Center for Human Genetics Tuebingen
Classification: Likely benign. Last evaluated: 2025-07-01. Review status: criteria provided, single submitter. Criteria: CeGaT Center For Human Genetics Tuebingen Variant Classification Criteria Version 2. Collection method: clinical testing. Allele origin: germline. Affected: yes. Observed: 2 variant alleles.
Comment: GRIA4: BS2

Ambry Genetics
Classification: Uncertain significance for Inborn genetic diseases. Last evaluated: 2025-01-27. Review status: criteria provided, single submitter. Criteria: Ambry Variant Classification Scheme 2023. Collection method: clinical testing. Allele origin: germline.